The following is an entry in ClinVar:

ClinVar aggregate classification (germline): Uncertain significance (1 of 4 stars; one submission).

gnomAD v4.1: 1 of 1,613,694 alleles (0.000062%); highest among the groups gnomAD compares: Admixed American, 0.0017%; no homozygotes.

Submission:

Labcorp Genetics (formerly Invitae), Labcorp
Classification: Uncertain significance. Last evaluated: 2025-06-16. Review status: criteria provided, single submitter. Criteria: Invitae Variant Classification Sherloc (09022015). Collection method: clinical testing. Allele origin: germline.
Comment: This sequence change replaces proline, which is neutral and non-polar, with arginine, which is basic and polar, at codon 440 of the TNFRSF11A protein (p.Pro440Arg). This variant is not present in population databases (gnomAD no frequency). This variant has not been reported in the literature in individuals affected with TNFRSF11A-related conditions. ClinVar contains an entry for this variant (Variation ID: 1060218). An algorithm developed to predict the effect of missense changes on protein structure and function (PolyPhen-2) suggests that this variant is likely to be tolerated. In summary, the available evidence is currently insufficient to determine the role of this variant in disease. Therefore, it has been classified as a Variant of Uncertain Significance.

NM_003839.4(TNFRSF11A):c.1319C>G (p.Pro440Arg)

Gene: TNFRSF11A (TNF receptor superfamily member 11a; plus strand). Cytogenetic location: 18q21.33.
Variant type: single nucleotide variant.
Coding change: c.1319C>G on transcript NM_003839.4 (MANE Select); coding-DNA position 1319, C replaced by G.
Protein change: p.Pro440Arg; replaces proline 440 with arginine.
Molecular consequence: missense variant. On other transcripts: intron variant (3).
Genome position (GRCh38, 1-based): chr18:62,369,236, C>G. VCF-style: chr18-62369236-C-G. GRCh37 (hg19) VCF-style: chr18-60036469-C-G.
Other names: c.1277C>G, p.Pro426Arg (NM_001278268.2); c.783+2476C>G (NM_001270949.2); c.730+7443C>G (NM_001270950.2); c.616+9187C>G (NM_001270951.2); short protein forms P426R, P440R.
Identifiers: ClinVar variation 1060218 (VCV001060218.9), dbSNP rs773622232, ClinGen allele CA402617730.